The following is an entry in ClinVar:

ClinVar aggregate classification (germline): Likely benign (0 of 4 stars; one submission).

Conditions:
SHH-related disorder. Also called: SHH-related disorders; SHH-related condition.

Allele frequency attached by ClinVar (database versions not stated): 1000 Genomes Project 30x 0.00016; ExAC 0.00017; 1000 Genomes Project 0.00020; TOPMed 0.00044; gnomAD 0.00046.
gnomAD v4.1: 86 of 471,500 alleles (0.018%); highest among the groups gnomAD compares: African/African-American, 0.15%; no homozygotes.

Submission:

PreventionGenetics, part of Exact Sciences
Classification: Likely benign for SHH-related condition. Last evaluated: 2022-07-12. Review status: no assertion criteria provided. Collection method: clinical testing. Allele origin: germline.
Comment: This variant is classified as likely benign based on ACMG/AMP sequence variant interpretation guidelines (Richards et al. 2015 PMID: 25741868, with internal and published modifications).

NM_000193.4(SHH):c.*2741T>C

Gene: SHH (sonic hedgehog signaling molecule; minus strand). Cytogenetic location: 7q36.3.
Variant type: single nucleotide variant.
Coding change: c.*2741T>C on transcript NM_000193.4 (MANE Select); 2741 bases downstream of the stop codon, T replaced by C.
Molecular consequence: 3 prime UTR variant. On other transcripts: missense variant (1), non-coding transcript variant (2).
Genome position (GRCh38, 1-based): chr7:155,800,159, A>G on the plus strand (T>C on the coding strand, the complement: SHH is on the minus strand). VCF-style: chr7-155800159-A-G. GRCh37 (hg19) VCF-style: chr7-155592853-A-G.
Other names: c.388T>C, p.Phe130Leu (NM_001310462.2); short protein forms F130L.
Identifiers: ClinVar variation 3046477 (VCV003046477.2), dbSNP rs570710567, ClinGen allele CA4586836.